The following is an entry in ClinVar:

ClinVar aggregate classification (germline): Conflicting classifications of pathogenicity. Review status: criteria provided, conflicting classifications (1 of 4 stars). 3 submissions from 3 submitters: Uncertain significance (2); Likely benign (1). Last evaluated 2023-03-07.

Conditions:
Inborn genetic diseases. Identifiers: MedGen C0950123, MeSH D030342.

Allele frequency attached by ClinVar (database versions not stated): ExAC 0.00012; gnomAD exomes 0.00012; gnomAD 0.00045 and 0.00051; TOPMed 0.00060; ESP Exome Variant Server 0.00069.
gnomAD v4.1: 140 of 1,614,064 alleles (0.0087%); highest among the groups gnomAD compares: African/African-American, 0.17%; 1 homozygote.

Submissions (3):

Ambry Genetics
Classification: Uncertain significance for Inborn genetic diseases. Last evaluated: 2023-03-07. Review status: criteria provided, single submitter. Criteria: Ambry Variant Classification Scheme 2023. Collection method: clinical testing. Allele origin: germline.

Labcorp Genetics (formerly Invitae), Labcorp
Classification: Uncertain significance. Last evaluated: 2022-10-26. Review status: criteria provided, single submitter. Criteria: Invitae Variant Classification Sherloc (09022015). Collection method: clinical testing. Allele origin: germline.
Comment: This sequence change replaces threonine, which is neutral and polar, with isoleucine, which is neutral and non-polar, at codon 1286 of the LCT protein (p.Thr1286Ile). This variant is present in population databases (rs140136867, gnomAD 0.2%). This variant has not been reported in the literature in individuals affected with LCT-related conditions. ClinVar contains an entry for this variant (Variation ID: 1469907). Advanced modeling of protein sequence and biophysical properties (such as structural, functional, and spatial information, amino acid conservation, physicochemical variation, residue mobility, and thermodynamic stability) performed at Invitae indicates that this missense variant is not expected to disrupt LCT protein function. In summary, the available evidence is currently insufficient to determine the role of this variant in disease. Therefore, it has been classified as a Variant of Uncertain Significance.

Blueprint Genetics
Classification: Likely benign. Last evaluated: 2022-08-09. Review status: criteria provided, single submitter. Criteria: ACMG Guidelines, 2015. Collection method: clinical testing. Allele origin: germline.

NM_002299.4(LCT):c.3857C>T (p.Thr1286Ile)

Gene: LCT (lactase; minus strand). Cytogenetic location: 2q21.3.
Variant type: single nucleotide variant.
Coding change: c.3857C>T on transcript NM_002299.4 (MANE Select); coding-DNA position 3857, C replaced by T.
Protein change: p.Thr1286Ile; replaces threonine 1286 with isoleucine.
Molecular consequence: missense variant.
Genome position (GRCh38, 1-based): chr2:135,808,490, G>A on the plus strand (C>T on the coding strand, the complement: LCT is on the minus strand). VCF-style: chr2-135808490-G-A. GRCh37 (hg19) VCF-style: chr2-136566060-G-A.
Other names: c.3857C>T (NM_002299.2); short protein forms T1286I.
Identifiers: ClinVar variation 1469907 (VCV001469907.6), dbSNP rs140136867, ClinGen allele CA1887971.